The following is an entry in ClinVar:

ClinVar aggregate classification (germline): Uncertain significance (1 of 4 stars; one submission).

Conditions:
Osteodysplastic primordial dwarfism, type 1 (MOPD1). Also called: BRACHYMELIC PRIMORDIAL DWARFISM; MOPD I; Microcephalic Osteodysplastic Primordial Dwarfism, Type I; Microcephalic Osteodysplastic Primordial Dwarfism Type I/III (MOPDI) / Taybi-Linder Syndrome; MICROCEPHALIC OSTEODYSPLASTIC PRIMORDIAL DWARFISM, TYPE III; MOPD III. Identifiers: Orphanet 2636, MedGen C1859452, MONDO:0008871, OMIM 210710.

Submission:

MVZ Medizinische Genetik Mainz
Classification: Uncertain significance for Osteodysplastic primordial dwarfism, type 1. Last evaluated: 2024-07-10. Review status: criteria provided, single submitter. Criteria: UK Practice Guidelines For Variant Classification V4 01 2020. Collection method: clinical testing. Allele origin: germline. Inheritance: Autosomal recessive inheritance. Affected: yes. Observed: 1 variant allele.
Comment: ACMG Criteria: PM3,PM1_SUP,PM2_SUP,PP4; Compound Heterozygote

NR_023343.3(RNU4ATAC):n.51_58del

Genes: CLASP1 (cytoplasmic linker associated protein 1; minus strand), CLASP1-AS1 (CLASP1 antisense RNA 1; plus strand), RNU4ATAC (RNA, U4atac small nuclear; plus strand). Cytogenetic location: 2q14.2.
Variant type: Deletion.
Molecular consequence: non-coding transcript variant (on NR_023343.3). On other transcripts: intron variant (8).
Genome position: GRCh38 VCF-style: chr2-121530929-GGGCAGTAC-G. GRCh37 (hg19) VCF-style: chr2-122288505-GGGCAGTAC-G.
Other names: c.196-612_196-605del (NM_001142274.2, NM_015282.3, NM_001378003.1 and 5 more transcripts).
Identifiers: ClinVar variation 4852369 (VCV004852369.1).